The following is an entry in ClinVar:

ClinVar aggregate classification (germline): Uncertain significance (1 of 4 stars; one submission).

Conditions:
Hereditary spastic paraplegia 39 (SPG39). Also called: SPASTIC PARAPLEGIA 39, AUTOSOMAL RECESSIVE; Spastic Paraplegia Type 39 (SPG39). Identifiers: Orphanet 139480, MedGen C2677586, MONDO:0012787, OMIM 612020.

Allele frequency attached by ClinVar (database versions not stated): gnomAD exomes below 0.00001.
gnomAD v4.1: 5 of 1,613,996 alleles (0.00031%); highest among the groups gnomAD compares: Non-Finnish European, 0.00042%; no homozygotes.

Submission:

Labcorp Genetics (formerly Invitae), Labcorp
Classification: Uncertain significance for Hereditary spastic paraplegia 39. Last evaluated: 2022-03-21. Review status: criteria provided, single submitter. Criteria: Invitae Variant Classification Sherloc (09022015). Collection method: clinical testing. Allele origin: germline.
Comment: This variant is not present in population databases (gnomAD no frequency). In summary, the available evidence is currently insufficient to determine the role of this variant in disease. Therefore, it has been classified as a Variant of Uncertain Significance. Algorithms developed to predict the effect of sequence changes on RNA splicing suggest that this variant may create or strengthen a splice site. This variant has not been reported in the literature in individuals affected with PNPLA6-related conditions. This sequence change affects codon 287 of the PNPLA6 mRNA. It is a 'silent' change, meaning that it does not change the encoded amino acid sequence of the PNPLA6 protein.

NM_001166114.2(PNPLA6):c.978G>A (p.Leu326=)

Gene: PNPLA6 (patatin like domain 6, lysophospholipase; plus strand). Cytogenetic location: 19p13.2.
Variant type: single nucleotide variant.
Coding change: c.978G>A on transcript NM_001166114.2 (MANE Select); coding-DNA position 978, G replaced by A.
Protein change: p.Leu326=; no amino-acid change (leucine 326 retained).
Molecular consequence: synonymous variant.
Genome position (GRCh38, 1-based): chr19:7,541,407, G>A. VCF-style: chr19-7541407-G-A. GRCh37 (hg19) VCF-style: chr19-7606293-G-A.
Other names: c.1005G>A, p.Leu335= (NM_001166111.2); c.861G>A, p.Leu287= (NM_001166112.2, NM_001166113.1, NM_006702.5).
Identifiers: ClinVar variation 2149989 (VCV002149989.4), dbSNP rs2023133695, ClinGen allele CA505238742.